The following is an entry in ClinVar:

ClinVar aggregate classification (germline): Conflicting classifications of pathogenicity. Review status: criteria provided, conflicting classifications (1 of 4 stars). 5 submissions from 5 submitters: Uncertain significance (1); Benign (3); Likely benign (1). Last evaluated 2025-08-31.

Conditions:
Tuberous sclerosis 2 (TSC2). Identifiers: Orphanet 805, MedGen C1860707, MONDO:0013199, OMIM 613254.
Tuberous sclerosis syndrome (TSC). Also called: Tuberous Sclerosis Complex; Tuberous sclerosis. Identifiers: Orphanet 805, MedGen C0041341, MONDO:0001734.

Allele frequency attached by ClinVar (database versions not stated): gnomAD 0.00001; gnomAD exomes 0.00001 and 0.00002; TOPMed 0.00001; ExAC 0.00004.
gnomAD v4.1: 23 of 1,613,864 alleles (0.0014%); highest among the groups gnomAD compares: South Asian, 0.0066%; no homozygotes.

Submissions (5):

Labcorp Genetics (formerly Invitae), Labcorp
Classification: Benign for Tuberous sclerosis 2. Last evaluated: 2025-08-31. Review status: criteria provided, single submitter. Criteria: Invitae Variant Classification Sherloc (09022015). Collection method: clinical testing. Allele origin: germline.

Myriad Genetics, Inc.
Classification: Benign for Tuberous sclerosis 2. Last evaluated: 2024-09-05. Review status: criteria provided, single submitter. Criteria: Myriad Autosomal Dominant, Autosomal Recessive and X-Linked Classification Criteria (2023). Collection method: clinical testing. Allele origin: unknown.
Comment: This variant is considered benign. This variant is intronic and is not expected to impact mRNA splicing. This variant has been observed at a population frequency that is significantly greater than expected given the associated disease prevalence and penetrance.

All of Us Research Program, National Institutes of Health
Classification: Uncertain significance for Tuberous sclerosis syndrome. Last evaluated: 2023-06-08. Review status: criteria provided, single submitter. Criteria: ACMG Guidelines, 2015. Collection method: clinical testing. Allele origin: germline. Inheritance: Autosomal dominant inheritance. Observed: 1 variant allele, 1 heterozygote.
Comment: This variant causes a C to T nucleotide substitution at the -10 position of intron 10 of the TSC2 gene. Splice site prediction tools suggest that this variant may impact RNA splicing. To our knowledge, functional studies have not been reported for this variant. This variant has not been reported in individuals affected with tuberous sclerosis complex in the literature. This variant has been identified in 6/251232 chromosomes in the general population by the Genome Aggregation Database (gnomAD). The available evidence is insufficient to determine the role of this variant in disease conclusively. Therefore, this variant is classified as a Variant of Uncertain Significance.

This study involves interpretation of variants in research participants for the purpose of population health screening. Participant phenotype was not available at the time of variant classification. Additional details can be found in publication PMID: 35346344, PMCID: PMC8962531

Genome-Nilou Lab
Classification: Benign for Tuberous sclerosis 2. Last evaluated: 2021-11-07. Review status: criteria provided, single submitter. Criteria: ACMG Guidelines, 2015. Collection method: clinical testing. Allele origin: germline. Affected: no.

GeneDx
Classification: Likely benign. Last evaluated: 2021-03-30. Review status: criteria provided, single submitter. Criteria: GeneDx Variant Classification Process June 2021. Collection method: clinical testing. Allele origin: germline. Affected: yes.

NM_000548.5(TSC2):c.976-10C>T

Gene: TSC2 (TSC complex subunit 2; plus strand). Cytogenetic location: 16p13.3.
Variant type: single nucleotide variant.
Coding change: c.976-10C>T on transcript NM_000548.5 (MANE Select); 10 bases into the intron before coding-DNA position 976, C replaced by T.
Molecular consequence: intron variant.
Genome position (GRCh38, 1-based): chr16:2,060,660, C>T. VCF-style: chr16-2060660-C-T. GRCh37 (hg19) VCF-style: chr16-2110661-C-T.
Other names: c.976-10C>T (NM_001114382.3, NM_021055.3, NM_001370405.1 and 3 more transcripts); c.865-10C>T (NM_001318827.2); c.376-10C>T (NM_001318831.2); c.829-10C>T (NM_001318829.2); c.1009-10C>T (NM_001318832.2).
Identifiers: ClinVar variation 468194 (VCV000468194.18), dbSNP rs765990217, ClinGen allele CA056787.